The following is an entry in ClinVar:

NM_003036.4(SKI):c.1067T>A (p.Leu356Gln)

Gene: SKI (SKI proto-oncogene; plus strand). Cytogenetic location: 1p36.32.
Variant type: single nucleotide variant.
Coding change: c.1067T>A on transcript NM_003036.4 (MANE Select); coding-DNA position 1067, T replaced by A.
Protein change: p.Leu356Gln; replaces leucine 356 with glutamine.
Molecular consequence: missense variant.
Genome position (GRCh38, 1-based): chr1:2,303,075, T>A. VCF-style: chr1-2303075-T-A. GRCh37 (hg19) VCF-style: chr1-2234514-T-A.
Other names: short protein forms L356Q.
Identifiers: ClinVar variation 1384461 (VCV001384461.8), dbSNP rs1640467596, ClinGen allele CA337954175.
Genomic context (GRCh38, chr1:2,303,075, plus strand): 5'-CAGATGACACCTCTTCCCAGTCCCCCGCGCCTTCCGAAAAGGACAAGCCGTCCAGCTGGC[T>A]GCGGACCTTGGCCGGCTCTTCCAATAAGGTGCTGTGGGGCCTGTCGGGGTCCTTGGGGTG-3'
Protein context (NP_003027.1, residues 346-366): PSEKDKPSSW[Leu356Gln]RTLAGSSNKS

ClinVar aggregate classification (germline): Uncertain significance (1 of 4 stars; one submission).

Conditions:
Shprintzen-Goldberg syndrome (SGS). Also called: SHPRINTZEN-GOLDBERG CRANIOSYNOSTOSIS SYNDROME; CRANIOSYNOSTOSIS WITH ARACHNODACTYLY AND ABDOMINAL HERNIAS; Marfanoid disorder with craniosynostosis type 1; Marfanoid craniosynostosis syndrome; Shprintzen-Goldberg marfanoid syndrome. Identifiers: Orphanet 2462, MedGen C1321551, MONDO:0008426, OMIM 182212.

Submission:

Labcorp Genetics (formerly Invitae), Labcorp
Classification: Uncertain significance for Shprintzen-Goldberg syndrome. Last evaluated: 2022-08-23. Review status: criteria provided, single submitter. Criteria: Invitae Variant Classification Sherloc (09022015). Collection method: clinical testing. Allele origin: germline.
Comment: Advanced modeling of protein sequence and biophysical properties (such as structural, functional, and spatial information, amino acid conservation, physicochemical variation, residue mobility, and thermodynamic stability) performed at Invitae indicates that this missense variant is expected to disrupt SKI protein function. ClinVar contains an entry for this variant (Variation ID: 1384461). This variant has not been reported in the literature in individuals affected with SKI-related conditions. This variant is not present in population databases (gnomAD no frequency). This sequence change replaces leucine, which is neutral and non-polar, with glutamine, which is neutral and polar, at codon 356 of the SKI protein (p.Leu356Gln). In summary, the available evidence is currently insufficient to determine the role of this variant in disease. Therefore, it has been classified as a Variant of Uncertain Significance.